The following is an entry in ClinVar:

NM_001105206.3(LAMA4):c.851T>C (p.Leu284Pro)

Gene: LAMA4 (laminin subunit alpha 4; minus strand). Cytogenetic location: 6q21.
Variant type: single nucleotide variant.
Coding change: c.851T>C on transcript NM_001105206.3 (MANE Select); coding-DNA position 851, T replaced by C.
Protein change: p.Leu284Pro; replaces leucine 284 with proline.
Molecular consequence: missense variant.
Genome position (GRCh38, 1-based): chr6:112,187,565, A>G on the plus strand (T>C on the coding strand, the complement: LAMA4 is on the minus strand). VCF-style: chr6-112187565-A-G. GRCh37 (hg19) VCF-style: chr6-112508767-A-G.
Other names: c.830T>C, p.Leu277Pro (NM_001105207.3, NM_002290.5); c.830T>C (NM_002290.3); short protein forms L277P, L284P.
Identifiers: ClinVar variation 1377873 (VCV001377873.9), dbSNP rs1424343942, ClinGen allele CA365376231.

ClinVar aggregate classification (germline): Uncertain significance. Review status: criteria provided, multiple submitters, no conflicts (2 of 4 stars). 2 submissions from 2 submitters: Uncertain significance (2). Last evaluated 2026-07-28.

Conditions:
Cardiovascular phenotype. Identifiers: MedGen CN230736.
Dilated cardiomyopathy 1JJ (CMD1JJ). Identifiers: Orphanet 154, MedGen C3808935, MONDO:0014095, OMIM 615235.

Allele frequency attached by ClinVar (database versions not stated): gnomAD 0.00001; TOPMed 0.00001; gnomAD exomes 0.00001.
gnomAD v4.1: 9 of 1,613,946 alleles (0.00056%); highest among the groups gnomAD compares: Non-Finnish European, 0.00076%; no homozygotes.

Submissions (2):

Ambry Genetics
Classification: Uncertain significance for Cardiovascular phenotype. Last evaluated: 2026-07-28. Review status: criteria provided, single submitter. Criteria: Ambry Variant Classification Scheme 2023. Collection method: clinical testing. Allele origin: germline.
Comment: The p.L277P variant (also known as c.830T>C), located in coding exon 7 of the LAMA4 gene, results from a T to C substitution at nucleotide position 830. The leucine at codon 277 is replaced by proline, an amino acid with similar properties. This amino acid position is conserved. In addition, the in silico prediction for this alteration is inconclusive. Based on the available evidence, the clinical significance of this variant remains unclear.

Labcorp Genetics (formerly Invitae), Labcorp
Classification: Uncertain significance for Dilated cardiomyopathy 1JJ. Last evaluated: 2021-02-24. Review status: criteria provided, single submitter. Criteria: Invitae Variant Classification Sherloc (09022015). Collection method: clinical testing. Allele origin: germline.
Comment: This sequence change replaces leucine with proline at codon 277 of the LAMA4 protein (p.Leu277Pro). The leucine residue is highly conserved and there is a moderate physicochemical difference between leucine and proline. This variant is not present in population databases (ExAC no frequency). This variant has not been reported in the literature in individuals with LAMA4-related conditions. Algorithms developed to predict the effect of missense changes on protein structure and function are either unavailable or do not agree on the potential impact of this missense change (SIFT: "Deleterious"; PolyPhen-2: "Probably Damaging"; Align-GVGD: "Class C0"). In summary, the available evidence is currently insufficient to determine the role of this variant in disease. Therefore, it has been classified as a Variant of Uncertain Significance.